The following is an entry in ClinVar:

NM_004444.5(EPHB4):c.124-11_124-9del

Gene: EPHB4 (EPH receptor B4; minus strand). Cytogenetic location: 7q22.1.
Variant type: Deletion.
Coding change: c.124-11_124-9del on transcript NM_004444.5 (MANE Select); 11 bases into the intron before coding-DNA position 124 through 9 bases into the intron before coding-DNA position 124, 3 bases deleted (TCT; older notation c.124-11_124-9delTCT).
Molecular consequence: intron variant.
Genome position (GRCh38, 1-based): chr7:100,823,940-100,823,942, AGA deleted on the plus strand (TCT on the coding strand, the reverse complement: EPHB4 is on the minus strand); deleting any 3 consecutive bases within chr7:100,823,940-100,823,944 gives the same sequence; the c. name uses the placement nearest the transcript's 3' end. VCF-style (leftmost placement, unchanged base first): chr7-100823939-GAGA-G. GRCh37 (hg19) VCF-style: chr7-100421561-GAGA-G.
Identifiers: ClinVar variation 1955915 (VCV001955915.8), dbSNP rs1247801167, ClinGen allele CA830547796.

ClinVar aggregate classification (germline): Uncertain significance. Review status: criteria provided, multiple submitters, no conflicts (2 of 4 stars). 2 submissions from 2 submitters: Uncertain significance (2). Last evaluated 2025-12-15.

Submissions (2):

Labcorp Genetics (formerly Invitae), Labcorp
Classification: Uncertain significance. Last evaluated: 2025-12-15. Review status: criteria provided, single submitter. Criteria: Invitae Variant Classification Sherloc (09022015). Collection method: clinical testing. Allele origin: germline.
Comment: This sequence change falls in intron 2 of the EPHB4 gene. It does not directly change the encoded amino acid sequence of the EPHB4 protein. This variant is not present in population databases (gnomAD no frequency). This variant has not been reported in the literature in individuals affected with EPHB4-related conditions. ClinVar contains an entry for this variant (Variation ID: 1955915). Algorithms developed to predict the effect of sequence changes on RNA splicing suggest that this variant may disrupt the consensus splice site. In summary, the available evidence is currently insufficient to determine the role of this variant in disease. Therefore, it has been classified as a Variant of Uncertain Significance.

Greenwood Genetic Center Diagnostic Laboratories, Greenwood Genetic Center
Classification: Uncertain significance. Last evaluated: 2022-12-13. Review status: criteria provided, single submitter. Criteria: ACMG Guidelines, 2015. Collection method: clinical testing. Allele origin: germline. Affected: yes.
Comment: PM2